The following is an entry in ClinVar:

ClinVar aggregate classification (germline): Uncertain significance. Review status: criteria provided, single submitter (1 of 4 stars). 2 submissions from 2 submitters: Uncertain significance (1). 1 of the submissions does not count toward it. Last evaluated 2021-08-31.

Conditions:
Pierson syndrome. Also called: MICROCORIA-CONGENITAL NEPHROTIC SYNDROME. Identifiers: Orphanet 2670, MedGen C1836876, MONDO:0012184, OMIM 609049.
LAMB2-related infantile-onset nephrotic syndrome. Also called: NEPHROTIC SYNDROME, TYPE 5, WITHOUT OCULAR ABNORMALITIES; NEPHROTIC SYNDROME, TYPE 5, WITH OCULAR ABNORMALITIES; Nephrotic Syndrome, type 5. Identifiers: Orphanet 306507, MedGen C3280113, MONDO:0013621, OMIM 614199.
Nephrotic syndrome. Identifiers: MedGen C0027726, MONDO:0005377, HP:0000100.

Allele frequency attached by ClinVar (database versions not stated): gnomAD exomes 0.00001 and 0.00002; ExAC 0.00002; gnomAD 0.00002; TOPMed 0.00003.

Submissions (2):

Labcorp Genetics (formerly Invitae), Labcorp
Classification: Uncertain significance for LAMB2-related infantile-onset nephrotic syndrome; Pierson syndrome. Last evaluated: 2021-08-31. Review status: criteria provided, single submitter. Criteria: Invitae Variant Classification Sherloc (09022015). Collection method: clinical testing. Allele origin: germline.
Comment: This sequence change replaces alanine with valine at codon 132 of the LAMB2 protein (p.Ala132Val). The alanine residue is weakly conserved and there is a small physicochemical difference between alanine and valine. This variant is present in population databases (rs766482429, ExAC 0.009%). This missense change has been observed in individual(s) with congenital nephrotic syndrome (PMID: 29127259). Algorithms developed to predict the effect of missense changes on protein structure and function output the following: SIFT: "Tolerated"; PolyPhen-2: "Benign"; Align-GVGD: "Class C0". The valine amino acid residue is found in multiple mammalian species, which suggests that this missense change does not adversely affect protein function. In summary, the available evidence is currently insufficient to determine the role of this variant in disease. Therefore, it has been classified as a Variant of Uncertain Significance.

Yale Center for Mendelian Genomics, Yale University
Classification: Likely pathogenic for Nephrotic syndrome. Last evaluated: 2017-11-10. Review status: no assertion criteria provided. Collection method: literature only. Allele origin: germline. Affected: yes. Observed: 1 homozygote. Study: Yale Center for Mendelian Genomics. Not counted in ClinVar's aggregate classification.

Literature cited by the submitters: PubMed 29127259 (cited by Labcorp Genetics (formerly Invitae), Labcorp and Yale Center for Mendelian Genomics, Yale University).

NM_002292.4(LAMB2):c.395C>T (p.Ala132Val)

Gene: LAMB2 (laminin subunit beta 2; minus strand). Cytogenetic location: 3p21.31.
Variant type: single nucleotide variant.
Coding change: c.395C>T on transcript NM_002292.4 (MANE Select); coding-DNA position 395, C replaced by T.
Protein change: p.Ala132Val; replaces alanine 132 with valine.
Molecular consequence: missense variant.
Genome position (GRCh38, 1-based): chr3:49,132,180, G>A on the plus strand (C>T on the coding strand, the complement: LAMB2 is on the minus strand). VCF-style: chr3-49132180-G-A. GRCh37 (hg19) VCF-style: chr3-49169613-G-A.
Other names: short protein forms A132V.
Identifiers: ClinVar variation 969386 (VCV000969386.5), dbSNP rs766482429, ClinGen allele CA2394932.